The following is an entry in ClinVar:

ClinVar aggregate classification (germline): Conflicting classifications of pathogenicity. Review status: criteria provided, conflicting classifications (1 of 4 stars). 4 submissions from 4 submitters: Pathogenic (1); Likely pathogenic (2); Uncertain significance (1). Last evaluated 2025-07-01.

Conditions:
POC1B-related disorder. Also called: POC1B-related condition.
Cone-rod dystrophy 20 (CORD20). Identifiers: Orphanet 1872, MedGen C4014856, MONDO:0014427, OMIM 615973.

Allele frequency attached by ClinVar (database versions not stated): gnomAD exomes below 0.00001; ExAC 0.00001; TOPMed 0.00001; gnomAD 0.00003 and 0.00004.
gnomAD v4.1: 8 of 1,577,516 alleles (0.00051%); highest among the groups gnomAD compares: African/African-American, 0.0041%; no homozygotes.

Submissions (4):

GeneDx
Classification: Uncertain significance. Last evaluated: 2025-07-01. Review status: criteria provided, single submitter. Criteria: GeneDx Variant Classification Process June 2021. Collection method: clinical testing. Allele origin: germline. Affected: yes.
Comment: Nonsense variant predicted to result in protein truncation or nonsense mediated decay in a gene for which loss of function is a known mechanism of disease; Reported in an individual in a publication on carrier frequency of autosomal recessive inherited retinal diseases (PMID: 31964843); This variant is associated with the following publications: (PMID: 35947183, 31964843)

Fulgent Genetics
Classification: Likely pathogenic for Cone-rod dystrophy 20. Last evaluated: 2024-05-14. Review status: criteria provided, single submitter. Criteria: ACMG Guidelines, 2015. Collection method: clinical testing. Allele origin: germline.

Labcorp Genetics (formerly Invitae), Labcorp
Classification: Pathogenic. Last evaluated: 2023-10-05. Review status: criteria provided, single submitter. Criteria: Invitae Variant Classification Sherloc (09022015). Collection method: clinical testing. Allele origin: germline.
Comment: This sequence change creates a premature translational stop signal (p.Arg142*) in the POC1B gene. It is expected to result in an absent or disrupted protein product. Loss-of-function variants in POC1B are known to be pathogenic (PMID: 25018096, 29220607). This variant is present in population databases (rs756143769, gnomAD 0.009%). This premature translational stop signal has been observed in individual(s) with clinical features of cone-rod dystrophy (Invitae). ClinVar contains an entry for this variant (Variation ID: 964371). For these reasons, this variant has been classified as Pathogenic.

Blueprint Genetics
Classification: Likely pathogenic for POC1B-related disorders. Last evaluated: 2021-05-18. Review status: criteria provided, single submitter. Criteria: ACMG Guidelines, 2015. Collection method: clinical testing. Allele origin: germline. Affected: yes. Observed: 1 variant allele.

Literature cited by the submitters: PubMed 25018096 (cited by Labcorp Genetics (formerly Invitae), Labcorp); PubMed 29220607 (cited by Labcorp Genetics (formerly Invitae), Labcorp).

NM_172240.3(POC1B):c.424C>T (p.Arg142Ter)

Genes: POC1B (POC1 centriolar protein B; minus strand), POC1B-DUSP6 (POC1B-DUSP6 readthrough; minus strand). Cytogenetic location: 12q21.33.
Variant type: single nucleotide variant.
Coding change: c.424C>T on transcript NM_172240.3 (MANE Select); coding-DNA position 424, C replaced by T.
Protein change: p.Arg142Ter; replaces arginine 142 with a stop codon.
Molecular consequence: nonsense. On other transcripts: non-coding transcript variant (2).
Genome position (GRCh38, 1-based): chr12:89,491,964, G>A on the plus strand (C>T on the coding strand, the complement: POC1B is on the minus strand). VCF-style: chr12-89491964-G-A. GRCh37 (hg19) VCF-style: chr12-89885741-G-A.
Other names: c.298C>T, p.Arg100Ter (NM_001199777.2); short protein forms R100*, R142*.
Identifiers: ClinVar variation 964371 (VCV000964371.12), dbSNP rs756143769, ClinGen allele CA6714521.